The following is an entry in ClinVar:

NM_213655.5(WNK1):c.3148T>C (p.Cys1050Arg)

Gene: WNK1 (WNK lysine deficient protein kinase 1; plus strand). Cytogenetic location: 12p13.33.
Variant type: single nucleotide variant.
Coding change: c.3148T>C on transcript NM_213655.5 (MANE Plus Clinical); coding-DNA position 3148, T replaced by C.
Protein change: p.Cys1050Arg; replaces cysteine 1050 with arginine.
Molecular consequence: missense variant. On other transcripts: intron variant (2).
Genome position (GRCh38, 1-based): chr12:868,619, T>C. VCF-style: chr12-868619-T-C. GRCh37 (hg19) VCF-style: chr12-977785-T-C.
Other names: c.2893T>C, p.Cys965Arg (NM_001184985.2); c.2140-2646T>C (NM_018979.4, NM_014823.3); short protein forms C1050R, C965R.
Identifiers: ClinVar variation 1728150 (VCV001728150.7), dbSNP rs566383773, ClinGen allele CA231499446.

ClinVar aggregate classification (germline): Uncertain significance. Review status: criteria provided, multiple submitters, no conflicts (2 of 4 stars). 2 submissions from 2 submitters: Uncertain significance (2). Last evaluated 2024-10-12.

Conditions:
Neuropathy, hereditary sensory and autonomic, type 2A (HSAN2A). Also called: MORVAN DISEASE; NEUROPATHY, CONGENITAL SENSORY; NEUROPATHY, HEREDITARY SENSORY RADICULAR, AUTOSOMAL RECESSIVE; NEUROPATHY, HEREDITARY SENSORY, TYPE IIA; NEUROPATHY, PROGRESSIVE SENSORY, OF CHILDREN; ACROOSTEOLYSIS, GIACCAI TYPE. Identifiers: Orphanet 970, MedGen C2752089, MONDO:0024309, OMIM 201300.
Pseudohypoaldosteronism type 2C (PHA2C). Also called: Pseudohypoaldosteronism Type IIC. Identifiers: Orphanet 757, Orphanet 88940, MedGen C1840391, MONDO:0013778, OMIM 614492.
Inborn genetic diseases. Identifiers: MedGen C0950123, MeSH D030342.

Allele frequency attached by ClinVar (database versions not stated): gnomAD 0.00001; TOPMed 0.00001; gnomAD exomes 0.00002; 1000 Genomes Project 30x 0.00016; 1000 Genomes Project 0.00020.
gnomAD v4.1: 29 of 1,614,016 alleles (0.0018%); highest among the groups gnomAD compares: Non-Finnish European, 0.0025%; no homozygotes.

Submissions (2):

Labcorp Genetics (formerly Invitae), Labcorp
Classification: Uncertain significance for Neuropathy, hereditary sensory and autonomic, type 2A; Pseudohypoaldosteronism type 2C. Last evaluated: 2024-10-12. Review status: criteria provided, single submitter. Criteria: Invitae Variant Classification Sherloc (09022015). Collection method: clinical testing. Allele origin: germline.
Comment: This sequence change replaces cysteine, which is neutral and slightly polar, with arginine, which is basic and polar, at codon 1050 of the WNK1 protein (p.Cys1050Arg). This variant is present in population databases (rs566383773, gnomAD 0.007%). This variant has not been reported in the literature in individuals affected with WNK1-related conditions. ClinVar contains an entry for this variant (Variation ID: 1728150). Invitae Evidence Modeling of protein sequence and biophysical properties (such as structural, functional, and spatial information, amino acid conservation, physicochemical variation, residue mobility, and thermodynamic stability) indicates that this missense variant is not expected to disrupt WNK1 protein function with a negative predictive value of 95%. In summary, the available evidence is currently insufficient to determine the role of this variant in disease. Therefore, it has been classified as a Variant of Uncertain Significance.

Ambry Genetics
Classification: Uncertain significance for Inborn genetic diseases. Last evaluated: 2020-03-18. Review status: criteria provided, single submitter. Criteria: Ambry Variant Classification Scheme 2023. Collection method: clinical testing. Allele origin: germline.
Comment: The p.C1050R variant (also known as c.3148T>C), located in coding exon 10 of the WNK1 gene, results from a T to C substitution at nucleotide position 3148. The cysteine at codon 1050 is replaced by arginine, an amino acid with highly dissimilar properties. This amino acid position is highly conserved in available vertebrate species. In addition, the in silico prediction for this alteration is inconclusive. Since supporting evidence is limited at this time, the clinical significance of this alteration remains unclear.